The following is an entry in ClinVar:

NM_153240.5(NPHP3):c.3126-12dup

Genes: NPHP3 (nephrocystin 3; minus strand), NPHP3-ACAD11 (NPHP3-ACAD11 readthrough (NMD candidate); minus strand). Cytogenetic location: 3q22.1.
Variant type: Duplication.
Coding change: c.3126-12dup on transcript NM_153240.5 (MANE Select); 12 bases into the intron before coding-DNA position 3126, one base duplicated (T; older notation c.3126-12dupT).
Molecular consequence: intron variant.
Genome position (GRCh38, 1-based): chr3:132,687,230, A duplicated on the plus strand (T on the coding strand, the reverse complement: NPHP3 is on the minus strand); the first of 9 consecutive A bases (chr3:132,687,230-132,687,238); duplicating any one gives the same sequence. VCF-style (leftmost placement, unchanged base first): chr3-132687229-T-TA. GRCh37 (hg19) VCF-style: chr3-132406073-T-TA.
Identifiers: ClinVar variation 343378 (VCV000343378.7), dbSNP rs398124547, ClinGen allele CA2621827.
Genomic context (GRCh38, chr3:132,687,229, plus strand): 5'-TATAGCTTTCTGATGAATTTTAAAGGATTTTTTCCTAAAATGTTCAGCTTGTTCATATCT[T>TA]AAAAAAAAATTACAGTAAGTCAAACAAAAGAAACATATTCAAAGTATACTTCAGTGAAAT-3'

ClinVar aggregate classification (germline): Likely benign (0 of 4 stars; one submission).

Conditions:
NPHP3-related disorder. Also called: NPHP3-related disorders; NPHP3-related condition. Identifiers: MedGen CN379163.

Submission:

PreventionGenetics, part of Exact Sciences
Classification: Likely benign for NPHP3-related condition. Last evaluated: 2022-11-18. Review status: no assertion criteria provided. Collection method: clinical testing. Allele origin: germline.
Comment: This variant is classified as likely benign based on ACMG/AMP sequence variant interpretation guidelines (Richards et al. 2015 PMID: 25741868, with internal and published modifications).